The following is an entry in ClinVar:

ClinVar aggregate classification (germline): Uncertain significance (1 of 4 stars; one submission).

Conditions:
Charcot-Marie-Tooth disease axonal type 2O. Also called: CHARCOT-MARIE-TOOTH DISEASE, AXONAL, AUTOSOMAL DOMINANT, TYPE 2O; Charcot-Marie-Tooth disease, axonal, type 20; Charcot-Marie-Tooth Neuropathy Type 2O; CHARCOT-MARIE-TOOTH NEUROPATHY, AXONAL, TYPE 2O. Identifiers: Orphanet 284232, MedGen C3280220, MONDO:0013644, OMIM 614228.

Submission:

Labcorp Genetics (formerly Invitae), Labcorp
Classification: Uncertain significance for Charcot-Marie-Tooth disease axonal type 2O. Last evaluated: 2025-09-02. Review status: criteria provided, single submitter. Criteria: Invitae Variant Classification Sherloc (09022015). Collection method: clinical testing. Allele origin: germline.
Comment: This sequence change replaces valine, which is neutral and non-polar, with leucine, which is neutral and non-polar, at codon 2999 of the DYNC1H1 protein (p.Val2999Leu). This variant is not present in population databases (gnomAD no frequency). This variant has not been reported in the literature in individuals affected with DYNC1H1-related conditions. ClinVar contains an entry for this variant (Variation ID: 2702962). Invitae Evidence Modeling of protein sequence and biophysical properties (such as structural, functional, and spatial information, amino acid conservation, physicochemical variation, residue mobility, and thermodynamic stability) indicates that this missense variant is not expected to disrupt DYNC1H1 protein function with a negative predictive value of 95%. In summary, the available evidence is currently insufficient to determine the role of this variant in disease. Therefore, it has been classified as a Variant of Uncertain Significance.

NM_001376.5(DYNC1H1):c.8995G>C (p.Val2999Leu)

Genes: DYNC1H1 (dynein cytoplasmic 1 heavy chain 1; plus strand), LOC126862060 (BRD4-independent group 4 enhancer GRCh37_chr14:102493659-102494858; plus strand). Cytogenetic location: 14q32.31.
Variant type: single nucleotide variant.
Coding change: c.8995G>C on transcript NM_001376.5 (MANE Select); coding-DNA position 8995, G replaced by C.
Protein change: p.Val2999Leu; replaces valine 2999 with leucine.
Molecular consequence: missense variant.
Genome position (GRCh38, 1-based): chr14:102,027,491, G>C. VCF-style: chr14-102027491-G-C. GRCh37 (hg19) VCF-style: chr14-102493828-G-C.
Other names: short protein forms V2999L.
Identifiers: ClinVar variation 2702962 (VCV002702962.3), dbSNP rs2503804439, ClinGen allele CA391010841.
Genomic context (GRCh38, chr14:102,027,491, plus strand): 5'-GTGTTGAGACGTTCTGGCTGTAAAAATGAAAAGATAGCATTTATAATGGATGAATCTAAT[G>C]TGTTAGATTCTGGATTCCTGGAGCGAATGAATACCCTTCTGGCCAATGGAGAGGTAATTA-3'
Protein context (NP_001367.2, residues 2989-3009): KIAFIMDESN[Val2999Leu]LDSGFLERMN